The following is an entry in ClinVar:

ClinVar aggregate classification (germline): Uncertain significance. Review status: criteria provided, multiple submitters, no conflicts (2 of 4 stars). 2 submissions from 2 submitters: Uncertain significance (2). Last evaluated 2024-10-07.

Conditions:
Agammaglobulinemia 2, autosomal recessive (AGM2). Also called: AGAMMAGLOBULINEMIA, AUTOSOMAL RECESSIVE, DUE TO IGLL1 DEFECT. Identifiers: MedGen C3150750, MONDO:0013287, OMIM 613500.

Allele frequency attached by ClinVar (database versions not stated): TOPMed 0.00006.
gnomAD v4.1: 44 of 1,613,998 alleles (0.0027%); highest among the groups gnomAD compares: Middle Eastern, 0.033%; no homozygotes.

Submissions (2):

Labcorp Genetics (formerly Invitae), Labcorp
Classification: Uncertain significance for Agammaglobulinemia 2, autosomal recessive. Last evaluated: 2024-10-07. Review status: criteria provided, single submitter. Criteria: Invitae Variant Classification Sherloc (09022015). Collection method: clinical testing. Allele origin: germline.
Comment: This sequence change replaces arginine, which is basic and polar, with glutamine, which is neutral and polar, at codon 85 of the IGLL1 protein (p.Arg85Gln). This variant is present in population databases (no rsID available, gnomAD 0.03%). This variant has not been reported in the literature in individuals affected with IGLL1-related conditions. ClinVar contains an entry for this variant (Variation ID: 575956). An algorithm developed to predict the effect of missense changes on protein structure and function (PolyPhen-2) suggests that this variant¬†is likely to be tolerated. In summary, the available evidence is currently insufficient to determine the role of this variant in disease. Therefore, it has been classified as a Variant of Uncertain Significance.

Ambry Genetics
Classification: Uncertain significance. Last evaluated: 2023-10-13. Review status: criteria provided, single submitter. Criteria: Ambry Variant Classification Scheme 2023. Collection method: clinical testing. Allele origin: germline.

NM_020070.4(IGLL1):c.254G>A (p.Arg85Gln)

Gene: IGLL1 (immunoglobulin lambda like polypeptide 1; minus strand). Cytogenetic location: 22q11.23.
Variant type: single nucleotide variant.
Coding change: c.254G>A on transcript NM_020070.4 (MANE Select); coding-DNA position 254, G replaced by A.
Protein change: p.Arg85Gln; replaces arginine 85 with glutamine.
Molecular consequence: missense variant. On other transcripts: intron variant (1).
Genome position (GRCh38, 1-based): chr22:23,575,035, C>T on the plus strand (G>A on the coding strand, the complement: IGLL1 is on the minus strand). VCF-style: chr22-23575035-C-T. GRCh37 (hg19) VCF-style: chr22-23917222-C-T.
Other names: c.257G>A, p.Arg86Gln (NM_001369906.1); c.207-1450G>A (NM_152855.3); c.254G>A (NM_020070.2); short protein forms R85Q, R86Q.
Identifiers: ClinVar variation 575956 (VCV000575956.8), dbSNP rs200178386, ClinGen allele CA10143363.